The following is an entry in ClinVar:

NM_001393629.1(RIMBP2):c.417G>T (p.Pro139=)

Gene: RIMBP2 (RIMS binding protein 2; minus strand). Cytogenetic location: 12q24.33.
Variant type: single nucleotide variant.
Coding change: c.417G>T on transcript NM_001393629.1 (MANE Select); coding-DNA position 417, G replaced by T.
Protein change: p.Pro139=; no amino-acid change (proline 139 retained).
Molecular consequence: synonymous variant.
Genome position (GRCh38, 1-based): chr12:130,451,282, C>A on the plus strand (G>T on the coding strand, the complement: RIMBP2 is on the minus strand). VCF-style: chr12-130451282-C-A. GRCh37 (hg19) VCF-style: chr12-130935827-C-A.
Other names: c.417G>T, p.Pro139= (NM_001351226.2, NM_001351227.2, NM_001351228.2 and 19 more transcripts); c.90G>T, p.Pro30= (NM_001351233.2); c.366G>T, p.Pro122= (NM_015347.5).
Identifiers: ClinVar variation 2643596 (VCV002643596.24), dbSNP rs139113247, ClinGen allele CA482647086.

ClinVar aggregate classification (germline): Likely benign (1 of 4 stars; one submission).

Submission:

CeGaT Center for Human Genetics Tuebingen
Classification: Likely benign. Last evaluated: 2023-01-01. Review status: criteria provided, single submitter. Criteria: CeGaT Center For Human Genetics Tuebingen Variant Classification Criteria Version 2. Collection method: clinical testing. Allele origin: germline. Affected: yes. Observed: 1 variant allele.
Comment: RIMBP2: PM2:Supporting, BP4, BP7